The following is an entry in ClinVar:

NM_153603.4(COG7):c.955G>A (p.Asp319Asn)

Gene: COG7 (component of oligomeric golgi complex 7; minus strand). Cytogenetic location: 16p12.2.
Variant type: single nucleotide variant.
Coding change: c.955G>A on transcript NM_153603.4 (MANE Select); coding-DNA position 955, G replaced by A.
Protein change: p.Asp319Asn; replaces aspartic acid 319 with asparagine.
Molecular consequence: missense variant.
Genome position (GRCh38, 1-based): chr16:23,424,803, C>T on the plus strand (G>A on the coding strand, the complement: COG7 is on the minus strand). VCF-style: chr16-23424803-C-T. GRCh37 (hg19) VCF-style: chr16-23436124-C-T.
Other names: c.955G>A (NM_153603.3); short protein forms D319N.
Identifiers: ClinVar variation 1446717 (VCV001446717.26), dbSNP rs767025710, ClinGen allele CA7961132.
Genomic context (GRCh38, chr16:23,424,803, plus strand): 5'-GTTTACGTAGGTGGGGGAGCAGTGCCATCTCCAAGCCCTTGGCGAAGTGGGCGGTGGCGT[C>T]GTAGAACTCCAGCAGCCTGGTGAGCTCCTGCTCGGGCCCTGCCCTCTCCACGCCGTTGCT-3'
Protein context (NP_705831.1, residues 309-329): QELTRLLEFY[Asp319Asn]ATAHFAKGLE

ClinVar aggregate classification (germline): Uncertain significance. Review status: criteria provided, multiple submitters, no conflicts (2 of 4 stars). 3 submissions from 3 submitters: Uncertain significance (3). Last evaluated 2025-05-16.

Conditions:
COG7 congenital disorder of glycosylation (CDG2E). Also called: CDG IIe; CONGENITAL DISORDER OF GLYCOSYLATION, TYPE IIe. Identifiers: Orphanet 79333, MedGen C2931010, MONDO:0012118, OMIM 608779.
Inborn genetic diseases. Identifiers: MedGen C0950123, MeSH D030342.

Allele frequency attached by ClinVar (database versions not stated): TOPMed 0.00003; gnomAD exomes 0.00004 and 0.00005; gnomAD 0.00005 and 0.00006; ExAC 0.00007.
gnomAD v4.1: 74 of 1,614,114 alleles (0.0046%); highest among the groups gnomAD compares: Middle Eastern, 0.016%; no homozygotes.

Submissions (3):

Ambry Genetics
Classification: Uncertain significance for Inborn genetic diseases. Last evaluated: 2025-05-16. Review status: criteria provided, single submitter. Criteria: Ambry Variant Classification Scheme 2023. Collection method: clinical testing. Allele origin: germline.

CeGaT Center for Human Genetics Tuebingen
Classification: Uncertain significance. Last evaluated: 2023-07-01. Review status: criteria provided, single submitter. Criteria: CeGaT Center For Human Genetics Tuebingen Variant Classification Criteria Version 2. Collection method: clinical testing. Allele origin: germline. Affected: yes. Observed: 1 variant allele.
Comment: COG7: PM2, BP4

Labcorp Genetics (formerly Invitae), Labcorp
Classification: Uncertain significance for COG7 congenital disorder of glycosylation. Last evaluated: 2022-05-19. Review status: criteria provided, single submitter. Criteria: Invitae Variant Classification Sherloc (09022015). Collection method: clinical testing. Allele origin: germline.
Comment: This sequence change replaces aspartic acid, which is acidic and polar, with asparagine, which is neutral and polar, at codon 319 of the COG7 protein (p.Asp319Asn). This variant is present in population databases (rs767025710, gnomAD 0.009%). This variant has not been reported in the literature in individuals affected with COG7-related conditions. Algorithms developed to predict the effect of missense changes on protein structure and function (SIFT, PolyPhen-2, Align-GVGD) all suggest that this variant is likely to be tolerated. In summary, the available evidence is currently insufficient to determine the role of this variant in disease. Therefore, it has been classified as a Variant of Uncertain Significance.